The following is an entry in ClinVar:

ClinVar aggregate classification (germline): Uncertain significance (1 of 4 stars; one submission).

Submission:

GeneDx
Classification: Uncertain significance. Last evaluated: 2022-10-21. Review status: criteria provided, single submitter. Criteria: GeneDx Variant Classification Process June 2021. Collection method: clinical testing. Allele origin: germline. Affected: yes.
Comment: Not observed at significant frequency in large population cohorts (gnomAD); In silico analysis supports that this missense variant does not alter protein structure/function; Has not been previously published as pathogenic or benign to our knowledge

NM_138927.4(SON):c.3952T>G (p.Ser1318Ala)

Gene: SON (SON DNA and RNA binding protein; plus strand). Cytogenetic location: 21q22.11.
Variant type: single nucleotide variant.
Coding change: c.3952T>G on transcript NM_138927.4 (MANE Select); coding-DNA position 3952, T replaced by G.
Protein change: p.Ser1318Ala; replaces serine 1318 with alanine.
Molecular consequence: missense variant. On other transcripts: non-coding transcript variant (1), intron variant (1).
Genome position (GRCh38, 1-based): chr21:33,553,183, T>G. VCF-style: chr21-33553183-T-G. GRCh37 (hg19) VCF-style: chr21-34925489-T-G.
Other names: c.3952T>G, p.Ser1318Ala (NM_001291411.2, NM_001412133.1, NM_032195.3 and 2 more transcripts); c.245-3973T>G (NM_001291412.3); short protein forms S1318A.
Identifiers: ClinVar variation 2499773 (VCV002499773.1), dbSNP rs746631074, ClinGen allele CA410161672.